The following is an entry in ClinVar:

ClinVar aggregate classification (germline): Uncertain significance. Review status: criteria provided, multiple submitters, no conflicts (2 of 4 stars). 6 submissions from 6 submitters: Uncertain significance (6). Last evaluated 2026-08-11.

Conditions:
PLEC-related disorder. Also called: PLEC-related condition; PLEC-related disorders.
Autosomal recessive limb-girdle muscular dystrophy type 2Q (LGMDR17). Also called: MUSCULAR DYSTROPHY, LIMB-GIRDLE, AUTOSOMAL RECESSIVE 17. Identifiers: Orphanet 254361, MedGen C3150989, MONDO:0013390, OMIM 613723.
Epidermolysis bullosa simplex, Ogna type (EBS5A). Also called: Pidermolysis bullosa simplex 5A, Ogna type; EPIDERMOLYSIS BULLOSA SIMPLEX 5A, OGNA TYPE. Identifiers: Orphanet 79401, MedGen C0432317, MONDO:0007555, OMIM 131950.
Epidermolysis bullosa simplex with nail dystrophy (EBS5D). Identifiers: MedGen C4225309, MONDO:0014661, OMIM 616487.
Epidermolysis bullosa simplex 5C, with pyloric atresia (EBS5C). Also called: PLEC1-Related Epidermolysis Bullosa with Pyloric Atresia; PLEC-Related Epidermolysis Bullosa with Pyloric Atresia; Epidermolysis bullosa simplex with pyloric atresia. Identifiers: Orphanet 158684, MedGen C2677349, MONDO:0012807, OMIM 612138.
Epidermolysis bullosa simplex 5B, with muscular dystrophy (EBS5B). Also called: EPIDERMOLYSIS BULLOSA SIMPLEX AND LIMB-GIRDLE MUSCULAR DYSTROPHY; Epidermolysis bullosa simplex with muscular dystrophy. Identifiers: Orphanet 257, MedGen C2931072, MONDO:0009181, OMIM 226670.
Inborn genetic diseases. Identifiers: MedGen C0950123, MeSH D030342.

Allele frequency attached by ClinVar (database versions not stated): TOPMed 0.00002.
gnomAD v4.1: 75 of 1,612,306 alleles (0.0047%); highest among the groups gnomAD compares: South Asian, 0.031%; 1 homozygote.

Submissions (6):

PreventionGenetics, part of Exact Sciences
Classification: Uncertain significance for PLEC-related condition. Last evaluated: 2026-08-11. Review status: criteria provided, single submitter. Criteria: ACMG Guidelines, 2015. Collection method: clinical testing. Allele origin: germline.
Comment: The PLEC c.10120G>A variant is predicted to result in the amino acid substitution p.Val3374Met. To our knowledge, this variant has not been reported in the literature. This variant is reported in 0.017% of alleles in individuals of East Asian descent in gnomAD. At this time, the clinical significance of this variant is uncertain due to the absence of conclusive functional and genetic evidence.

Ambry Genetics
Classification: Uncertain significance for Inborn genetic diseases. Last evaluated: 2025-09-28. Review status: criteria provided, single submitter. Criteria: Ambry Variant Classification Scheme 2023. Collection method: clinical testing. Allele origin: germline.

Labcorp Genetics (formerly Invitae), Labcorp
Classification: Uncertain significance for Autosomal recessive limb-girdle muscular dystrophy type 2Q; Epidermolysis bullosa simplex, Ogna type; Epidermolysis bullosa simplex with nail dystrophy; Epidermolysis bullosa simplex 5C, with pyloric atresia; Epidermolysis bullosa simplex 5B, with muscular dystrophy. Last evaluated: 2025-07-29. Review status: criteria provided, single submitter. Criteria: Invitae Variant Classification Sherloc (09022015). Collection method: clinical testing. Allele origin: germline.
Comment: This sequence change replaces valine, which is neutral and non-polar, with methionine, which is neutral and non-polar, at codon 3374 of the PLEC protein (p.Val3374Met). This variant is present in population databases (rs782748769, gnomAD 0.02%). This variant has not been reported in the literature in individuals affected with PLEC-related conditions. ClinVar contains an entry for this variant (Variation ID: 424356). An algorithm developed to predict the effect of missense changes on protein structure and function (PolyPhen-2) suggests that this variant is likely to be disruptive. In summary, the available evidence is currently insufficient to determine the role of this variant in disease. Therefore, it has been classified as a Variant of Uncertain Significance.

ARUP Laboratories, Molecular Genetics and Genomics, ARUP Laboratories
Classification: Uncertain significance. Last evaluated: 2023-12-01. Review status: criteria provided, single submitter. Criteria: ARUP Molecular Germline Variant Investigation Process 2024. Collection method: clinical testing. Allele origin: germline.

Athena Diagnostics
Classification: Uncertain significance. Last evaluated: 2018-05-24. Review status: criteria provided, single submitter. Criteria: Athena Diagnostics Criteria. Collection method: clinical testing. Allele origin: germline.

GeneDx
Classification: Uncertain significance. Last evaluated: 2017-03-20. Review status: criteria provided, single submitter. Criteria: GeneDx Variant Classification (06012015). Collection method: clinical testing. Allele origin: germline. Affected: yes.
Comment: A variant of uncertain significance has been identified in the PLEC gene. The V3374M variant has not been published as a pathogenic variant, nor has it been reported as a benign variant to our knowledge. The V3374M variant is observed in 3/16,418 (0.02%) alleles from individuals of South Asian background, including 1 homozygous individual in the ExAC dataset (Lek et al., 2016; 1000 Genomes Consortium et al., 2015; Exome Variant Server). This substitution occurs at a position that is conserved across species. However, the V3374M variant is a conservative amino acid substitution, which is not likely to impact secondary protein structure as these residues share similar properties. In silico analysis is inconsistent in its predictions as to whether or not the variant is damaging to the protein structure/function. Therefore, based on the currently available information, it is unclear whether this variant is a pathogenic variant or a rare benign variant.

NM_201384.3(PLEC):c.10039G>A (p.Val3347Met)

Gene: PLEC (plectin; minus strand). Cytogenetic location: 8q24.3.
Variant type: single nucleotide variant.
Coding change: c.10039G>A on transcript NM_201384.3 (MANE Select); coding-DNA position 10039, G replaced by A.
Protein change: p.Val3347Met; replaces valine 3347 with methionine.
Molecular consequence: missense variant.
Genome position (GRCh38, 1-based): chr8:143,919,782, C>T on the plus strand (G>A on the coding strand, the complement: PLEC is on the minus strand). VCF-style: chr8-143919782-C-T. GRCh37 (hg19) VCF-style: chr8-144993950-C-T.
Other names: c.10120G>A, p.Val3374Met (NM_000445.5); c.9997G>A, p.Val3333Met (NM_201378.4); c.9973G>A, p.Val3325Met (NM_201379.3); c.10450G>A, p.Val3484Met (NM_201380.4); c.9943G>A, p.Val3315Met (NM_201381.3); c.10039G>A, p.Val3347Met (NM_201382.4); c.10051G>A, p.Val3351Met (NM_201383.3); short protein forms V3315M, V3325M, V3333M, V3347M, V3351M, V3374M, V3484M.
Identifiers: ClinVar variation 424356 (VCV000424356.15), dbSNP rs782748769, ClinGen allele CA4924777.